The following is an entry in ClinVar:

NM_000815.5(GABRD):c.1160T>A (p.Leu387Gln)

Gene: GABRD (gamma-aminobutyric acid type A receptor subunit delta; plus strand). Cytogenetic location: 1p36.33.
Variant type: single nucleotide variant.
Coding change: c.1160T>A on transcript NM_000815.5 (MANE Select); coding-DNA position 1160, T replaced by A.
Protein change: p.Leu387Gln; replaces leucine 387 with glutamine.
Molecular consequence: missense variant.
Genome position (GRCh38, 1-based): chr1:2,030,083, T>A. VCF-style: chr1-2030083-T-A. GRCh37 (hg19) VCF-style: chr1-1961522-T-A.
Other names: short protein forms L387Q.
Identifiers: ClinVar variation 2744810 (VCV002744810.3), dbSNP rs747734873, ClinGen allele CA337960628.

ClinVar aggregate classification (germline): Uncertain significance (1 of 4 stars; one submission).

Conditions:
Idiopathic generalized epilepsy. Also called: EIG; Generalised epilepsy. Identifiers: MedGen C0270850, MONDO:0005579, OMIM 600669.

Submission:

Labcorp Genetics (formerly Invitae), Labcorp
Classification: Uncertain significance for Idiopathic generalized epilepsy. Last evaluated: 2023-09-12. Review status: criteria provided, single submitter. Criteria: Invitae Variant Classification Sherloc (09022015). Collection method: clinical testing. Allele origin: germline.
Comment: This variant has not been reported in the literature in individuals affected with GABRD-related conditions. This variant is not present in population databases (gnomAD no frequency). This sequence change replaces leucine, which is neutral and non-polar, with glutamine, which is neutral and polar, at codon 387 of the GABRD protein (p.Leu387Gln). An algorithm developed to predict the effect of missense changes on protein structure and function (PolyPhen-2) suggests that this variant is likely to be disruptive. In summary, the available evidence is currently insufficient to determine the role of this variant in disease. Therefore, it has been classified as a Variant of Uncertain Significance.